The following is an entry in ClinVar:

ClinVar aggregate classification (germline): Uncertain significance (1 of 4 stars; one submission).

Conditions:
Inborn genetic diseases. Identifiers: MedGen C0950123, MeSH D030342.

gnomAD v4.1: 1 of 1,527,050 alleles (0.000065%); highest among the groups gnomAD compares: Non-Finnish European, 0.000089%; no homozygotes.

Submission:

Ambry Genetics
Classification: Uncertain significance for Inborn genetic diseases. Last evaluated: 2025-01-05. Review status: criteria provided, single submitter. Criteria: Ambry Variant Classification Scheme 2023. Collection method: clinical testing. Allele origin: germline.
Comment: The p.E659D variant (also known as c.1977A>T), located in coding exon 14 of the ERCC6L2 gene, results from an A to T substitution at nucleotide position 1977. The glutamic acid at codon 659 is replaced by aspartic acid, an amino acid with highly similar properties. This amino acid position is conserved. In addition, the in silico prediction for this alteration is inconclusive. Based on the available evidence, the clinical significance of this variant remains unclear.

NM_020207.7(ERCC6L2):c.1977A>T (p.Glu659Asp)

Gene: ERCC6L2 (ERCC excision repair 6 like 2; plus strand). Cytogenetic location: 9q22.32.
Variant type: single nucleotide variant.
Coding change: c.1977A>T on transcript NM_020207.7 (MANE Select); coding-DNA position 1977, A replaced by T.
Protein change: p.Glu659Asp; replaces glutamic acid 659 with aspartic acid.
Molecular consequence: missense variant. On other transcripts: non-coding transcript variant (1).
Genome position (GRCh38, 1-based): chr9:95,966,591, A>T. VCF-style: chr9-95966591-A-T. GRCh37 (hg19) VCF-style: chr9-98728873-A-T.
Other names: c.1977A>T, p.Glu659Asp (NM_001010895.4, NM_001375291.1, NM_001375292.1 and 2 more transcripts); short protein forms E659D.
Identifiers: ClinVar variation 3845843 (VCV003845843.1).